The following is an entry in ClinVar:

ClinVar aggregate classification (germline): Uncertain significance. Review status: criteria provided, multiple submitters, no conflicts (2 of 4 stars). 4 submissions from 4 submitters: Uncertain significance (4). Last evaluated 2025-09-29.

Conditions:
Hypertrophic cardiomyopathy 1 (CMH1). Also called: MYH7-Related Familial Hypertrophic Cardiomyopathy; Familial hypertrophic cardiomyopathy 1. Identifiers: MedGen C3495498, MONDO:0008647, OMIM 192600.

Allele frequency attached by ClinVar (database versions not stated): gnomAD 0.00005 and 0.00004; ExAC 0.00002; gnomAD exomes 0.00003; TOPMed 0.00002.

Submissions (4):

Dasa
Classification: Uncertain significance. Last evaluated: 2025-09-29. Review status: criteria provided, single submitter. Criteria: DASA Assertion Criteria. Collection method: clinical testing. Allele origin: germline.
Comment: NM_033118.4(MYLK2):c.1657C>T (p.Arg553Cys) is a missense variant that results in the substitution of arginine with cysteine. This variant is rare in population databases. The currently available literature and clinical evidence are not sufficient to establish a definitive association between this variant and the reported condition. Therefore, this variant is classified as a variant of uncertain significance.

Labcorp Genetics (formerly Invitae), Labcorp
Classification: Uncertain significance for Hypertrophic cardiomyopathy 1. Last evaluated: 2025-08-01. Review status: criteria provided, single submitter. Criteria: Invitae Variant Classification Sherloc (09022015). Collection method: clinical testing. Allele origin: germline.
Comment: This sequence change replaces arginine, which is basic and polar, with cysteine, which is neutral and slightly polar, at codon 553 of the MYLK2 protein (p.Arg553Cys). This variant is present in population databases (rs765059037, gnomAD 0.01%). This variant has not been reported in the literature in individuals affected with MYLK2-related conditions. ClinVar contains an entry for this variant (Variation ID: 201863). Invitae Evidence Modeling of protein sequence and biophysical properties (such as structural, functional, and spatial information, amino acid conservation, physicochemical variation, residue mobility, and thermodynamic stability) indicates that this missense variant is not expected to disrupt MYLK2 protein function with a negative predictive value of 80%. In summary, the available evidence is currently insufficient to determine the role of this variant in disease. Therefore, it has been classified as a Variant of Uncertain Significance.

Ambry Genetics
Classification: Uncertain significance. Last evaluated: 2025-06-07. Review status: criteria provided, single submitter. Criteria: Ambry Variant Classification Scheme 2023. Collection method: clinical testing. Allele origin: germline.

GeneDx
Classification: Uncertain significance. Last evaluated: 2016-08-22. Review status: criteria provided, single submitter. Criteria: GeneDx Variant Classification (06012015). Collection method: clinical testing. Allele origin: germline. Affected: yes.
Comment: p.Arg553Cys (CGC>TGC): c.1657 C>T in exon 12 of the MYLK2 gene (NM_033118.3). A variant of unknown significance has been identified in the MYLK2 gene. The R553C variant has not been published as a mutation, nor has it been reported as a benign polymorphism to our knowledge. The R553C variant was not observed in approximately 6,500 individuals of European and African American ancestry in the NHLBI Exome Sequencing Project, indicating it is not a common benign variant in these populations. The R553C variant is a non-conservative amino acid substitution, which is likely to impact secondary protein structure as these residues differ in polarity, charge, size and/or other properties. This substitution occurs at a position that is conserved across species. In silico analysis predicts this variant is probably damaging to the protein structure/function. However, no missense mutations in nearby residues have been reported in association with cardiomyopathy, indicating this region of the protein may be tolerant of change. Therefore, based on the currently available information, it is unclear whether this variant is a pathogenic mutation or a rare benign variant. The variant is found in CARDIOMYOPATHY panel(s).

NM_033118.4(MYLK2):c.1657C>T (p.Arg553Cys)

Gene: MYLK2 (myosin light chain kinase 2; plus strand). Cytogenetic location: 20q11.21.
Variant type: single nucleotide variant.
Coding change: c.1657C>T on transcript NM_033118.4 (MANE Select); coding-DNA position 1657, C replaced by T.
Protein change: p.Arg553Cys; replaces arginine 553 with cysteine.
Molecular consequence: missense variant.
Genome position (GRCh38, 1-based): chr20:31,832,083, C>T. VCF-style: chr20-31832083-C-T. GRCh37 (hg19) VCF-style: chr20-30419886-C-T.
Other names: p.R553C:CGC>TGC; short protein forms R553C.
Identifiers: ClinVar variation 201863 (VCV000201863.14), dbSNP rs765059037, ClinGen allele CA335253.